The following is an entry in ClinVar:

NM_015466.4(PTPN23):c.547-13C>T

Gene: PTPN23 (protein tyrosine phosphatase non-receptor type 23; plus strand). Cytogenetic location: 3p21.31.
Variant type: single nucleotide variant.
Coding change: c.547-13C>T on transcript NM_015466.4 (MANE Select); 13 bases into the intron before coding-DNA position 547, C replaced by T.
Molecular consequence: intron variant.
Genome position (GRCh38, 1-based): chr3:47,406,312, C>T. VCF-style: chr3-47406312-C-T. GRCh37 (hg19) VCF-style: chr3-47447802-C-T.
Other names: c.169-13C>T (NM_001304482.2).
Identifiers: ClinVar variation 507406 (VCV000507406.5), dbSNP rs767524349, ClinGen allele CA2365387.
Genomic context (GRCh38, chr3:47,406,312, plus strand): 5'-GGGGAAGGATAAAGGGAAGGGGAAGCGGGAGGCCTTGGGTGAGCGAGGGAGTGCACCTCA[C>T]GTGTCGCCCCAGGGCCAGGCTCAGGAGTGCCTCCTGGAGAAGTCGATGTTGGACAACAGG-3'

ClinVar aggregate classification (germline): Likely benign. Review status: criteria provided, multiple submitters, no conflicts (2 of 4 stars). 2 submissions from 2 submitters: Likely benign (2). Last evaluated 2024-11-18.

Allele frequency attached by ClinVar (database versions not stated): TOPMed below 0.00001; gnomAD 0.00001; gnomAD exomes 0.00001; ExAC 0.00002.
gnomAD v4.1: 15 of 1,613,090 alleles (0.00093%); highest among the groups gnomAD compares: South Asian, 0.0055%; no homozygotes.

Submissions (2):

Labcorp Genetics (formerly Invitae), Labcorp
Classification: Likely benign. Last evaluated: 2024-11-18. Review status: criteria provided, single submitter. Criteria: Invitae Variant Classification Sherloc (09022015). Collection method: clinical testing. Allele origin: germline.

GeneDx
Classification: Likely benign. Last evaluated: 2017-02-21. Review status: criteria provided, single submitter. Criteria: GeneDx Variant Classification (06012015). Collection method: clinical testing. Allele origin: germline. Affected: yes.
Comment: This variant is considered likely benign or benign based on one or more of the following criteria: it is a conservative change, it occurs at a poorly conserved position in the protein, it is predicted to be benign by multiple in silico algorithms, and/or has population frequency not consistent with disease.